The following is an entry in ClinVar:

NM_000168.6(GLI3):c.3349C>T (p.Pro1117Ser)

Gene: GLI3 (GLI family zinc finger 3; minus strand). Cytogenetic location: 7p14.1.
Variant type: single nucleotide variant.
Coding change: c.3349C>T on transcript NM_000168.6 (MANE Select); coding-DNA position 3349, C replaced by T.
Protein change: p.Pro1117Ser; replaces proline 1117 with serine.
Molecular consequence: missense variant.
Genome position (GRCh38, 1-based): chr7:41,965,724, G>A on the plus strand (C>T on the coding strand, the complement: GLI3 is on the minus strand). VCF-style: chr7-41965724-G-A. GRCh37 (hg19) VCF-style: chr7-42005322-G-A.
Other names: short protein forms P1117S.
Identifiers: ClinVar variation 1944300 (VCV001944300.5), dbSNP rs2484373353, ClinGen allele CA367318374.

ClinVar aggregate classification (germline): Uncertain significance (1 of 4 stars; one submission).

Conditions:
Pallister-Hall syndrome (PHS). Also called: GLI3-Related Pallister-Hall Syndrome; HYPOTHALAMIC HAMARTOBLASTOMA, HYPOPITUITARISM, IMPERFORATE ANUS, AND POSTAXIAL POLYDACTYLY. Identifiers: Orphanet 672, MedGen C0265220, MONDO:0007804, OMIM 146510.
Greig cephalopolysyndactyly syndrome (GCPS). Also called: POLYSYNDACTYLY WITH PECULIAR SKULL SHAPE; Greig syndrome; GLI3-Related Greig Cephalopolysyndactyly Syndrome. Identifiers: Orphanet 380, MedGen C0265306, MONDO:0008287, OMIM 175700.

Submission:

Labcorp Genetics (formerly Invitae), Labcorp
Classification: Uncertain significance for Pallister-Hall syndrome; Greig cephalopolysyndactyly syndrome. Last evaluated: 2022-08-26. Review status: criteria provided, single submitter. Criteria: Invitae Variant Classification Sherloc (09022015). Collection method: clinical testing. Allele origin: germline.
Comment: In summary, the available evidence is currently insufficient to determine the role of this variant in disease. Therefore, it has been classified as a Variant of Uncertain Significance. Algorithms developed to predict the effect of missense changes on protein structure and function output the following: SIFT: "Tolerated"; PolyPhen-2: "Benign"; Align-GVGD: "Class C0". The serine amino acid residue is found in multiple mammalian species, which suggests that this missense change does not adversely affect protein function. This variant has not been reported in the literature in individuals affected with GLI3-related conditions. This variant is not present in population databases (gnomAD no frequency). This sequence change replaces proline, which is neutral and non-polar, with serine, which is neutral and polar, at codon 1117 of the GLI3 protein (p.Pro1117Ser).